The following is an entry in ClinVar:

ClinVar aggregate classification (germline): Uncertain significance (1 of 4 stars; one submission).

Submission:

Ambry Genetics
Classification: Uncertain significance. Last evaluated: 2021-11-22. Review status: criteria provided, single submitter. Criteria: Ambry Variant Classification Scheme 2023. Collection method: clinical testing. Allele origin: germline.
Comment: The p.I544S variant (also known as c.1631T>G), located in coding exon 16 of the PRKDC gene, results from a T to G substitution at nucleotide position 1631. The isoleucine at codon 544 is replaced by serine, an amino acid with dissimilar properties. This amino acid position is conserved. In addition, this alteration is predicted to be tolerated by in silico analysis. Since supporting evidence is limited at this time, the clinical significance of this alteration remains unclear.

NM_006904.7(PRKDC):c.1631T>G (p.Ile544Ser)

Gene: PRKDC (protein kinase, DNA-activated, catalytic subunit; minus strand). Cytogenetic location: 8q11.21.
Variant type: single nucleotide variant.
Coding change: c.1631T>G on transcript NM_006904.7 (MANE Select); coding-DNA position 1631, T replaced by G.
Protein change: p.Ile544Ser; replaces isoleucine 544 with serine.
Molecular consequence: missense variant.
Genome position (GRCh38, 1-based): chr8:47,933,165, A>C on the plus strand (T>G on the coding strand, the complement: PRKDC is on the minus strand). VCF-style: chr8-47933165-A-C. GRCh37 (hg19) VCF-style: chr8-48845725-A-C.
Other names: c.1631T>G, p.Ile544Ser (NM_001081640.2); short protein forms I544S.
Identifiers: ClinVar variation 1776845 (VCV001776845.2), dbSNP rs2551879048, ClinGen allele CA371165211.